The following is an entry in ClinVar:

NM_002691.4(POLD1):c.1292T>C (p.Ile431Thr)

Gene: POLD1 (DNA polymerase delta 1, catalytic subunit; plus strand). Cytogenetic location: 19q13.33.
Variant type: single nucleotide variant.
Coding change: c.1292T>C on transcript NM_002691.4 (MANE Select); coding-DNA position 1292, T replaced by C.
Protein change: p.Ile431Thr; replaces isoleucine 431 with threonine.
Molecular consequence: missense variant. On other transcripts: non-coding transcript variant (1).
Genome position (GRCh38, 1-based): chr19:50,406,231, T>C. VCF-style: chr19-50406231-T-C. GRCh37 (hg19) VCF-style: chr19-50909488-T-C.
Other names: c.1292T>C, p.Ile431Thr (NM_001256849.1, NM_001308632.1); short protein forms I431T.
Identifiers: ClinVar variation 818822 (VCV000818822.7), dbSNP rs1601215392, ClinGen allele CA406979811.
Genomic context (GRCh38, chr19:50,406,231, plus strand): 5'-CTCCTCCTCAGGTACAAACATTCCCTTTCCTGGGCCGTGTGGCCGGCCTTTGCTCCAACA[T>C]CCGGGACTCTTCATTCCAGTCCAAGCAGACGGGCCGGCGGGACACCAAGGTTGTCAGCAT-3'
Protein context (NP_002682.2, residues 421-441): LGRVAGLCSN[Ile431Thr]RDSSFQSKQT

ClinVar aggregate classification (germline): Uncertain significance. Review status: criteria provided, multiple submitters, no conflicts (2 of 4 stars). 2 submissions from 2 submitters: Uncertain significance (2). Last evaluated 2023-04-08.

Conditions:
POLD1-related polyposis and colorectal cancer syndrome (CRCS10). Also called: Colorectal cancer, susceptibility to, 10; Colorectal cancer 10; COLORECTAL CANCER, SUSCEPTIBILITY TO, ON CHROMOSOME 19q. Identifiers: Orphanet 220460, MedGen C2675481, MONDO:0012953, OMIM 612591.
Hereditary cancer-predisposing syndrome. Also called: Hereditary Cancer Syndrome; Hereditary neoplastic syndrome; Neoplastic Syndromes, Hereditary; Tumor predisposition. Identifiers: Orphanet 140162, MedGen C0027672, MeSH D009386, MONDO:0015356.

Allele frequency attached by ClinVar (database versions not stated): gnomAD exomes below 0.00001.
gnomAD v4.1: 2 of 1,613,874 alleles (0.00012%); highest among the groups gnomAD compares: Non-Finnish European, 0.00017%; no homozygotes.

Submissions (2):

Labcorp Genetics (formerly Invitae), Labcorp
Classification: Uncertain significance for POLD1-related polyposis and colorectal cancer syndrome. Last evaluated: 2023-04-08. Review status: criteria provided, single submitter. Criteria: Invitae Variant Classification Sherloc (09022015). Collection method: clinical testing. Allele origin: germline.
Comment: In summary, the available evidence is currently insufficient to determine the role of this variant in disease. Therefore, it has been classified as a Variant of Uncertain Significance. Advanced modeling of protein sequence and biophysical properties (such as structural, functional, and spatial information, amino acid conservation, physicochemical variation, residue mobility, and thermodynamic stability) performed at Invitae indicates that this missense variant is not expected to disrupt POLD1 protein function. ClinVar contains an entry for this variant (Variation ID: 818822). This variant has not been reported in the literature in individuals affected with POLD1-related conditions. This variant is not present in population databases (gnomAD no frequency). This sequence change replaces isoleucine, which is neutral and non-polar, with threonine, which is neutral and polar, at codon 431 of the POLD1 protein (p.Ile431Thr).

Ambry Genetics
Classification: Uncertain significance for Hereditary cancer-predisposing syndrome. Last evaluated: 2018-05-15. Review status: criteria provided, single submitter. Criteria: Ambry Variant Classification Scheme 2023. Collection method: clinical testing. Allele origin: germline.
Comment: The p.I431T variant (also known as c.1292T>C), located in coding exon 10 of the POLD1 gene, results from a T to C substitution at nucleotide position 1292. The isoleucine at codon 431 is replaced by threonine, an amino acid with similar properties. This amino acid position is highly conserved in available vertebrate species. In addition, this alteration is predicted to be tolerated by in silico analysis. Since supporting evidence is limited at this time, the clinical significance of this alteration remains unclear.